The following is an entry in ClinVar:

NM_032043.3(BRIP1):c.2742A>G (p.Leu914=)

Gene: BRIP1 (BRCA1 interacting DNA helicase 1; minus strand). Cytogenetic location: 17q23.2.
Variant type: single nucleotide variant.
Coding change: c.2742A>G on transcript NM_032043.3 (MANE Select); coding-DNA position 2742, A replaced by G.
Protein change: p.Leu914=; no amino-acid change (leucine 914 retained).
Molecular consequence: synonymous variant.
Genome position (GRCh38, 1-based): chr17:61,685,999, T>C on the plus strand (A>G on the coding strand, the complement: BRIP1 is on the minus strand). VCF-style: chr17-61685999-T-C. GRCh37 (hg19) VCF-style: chr17-59763360-T-C.
Identifiers: ClinVar variation 232780 (VCV000232780.8), dbSNP rs876659985, ClinGen allele CA10580790.

ClinVar aggregate classification (germline): Benign/Likely benign. Review status: criteria provided, multiple submitters, no conflicts (2 of 4 stars). 3 submissions from 3 submitters: Benign (1); Likely benign (2). Last evaluated 2024-09-05.

Conditions:
Fanconi anemia complementation group J. Also called: BRIP1-Related Fanconi Anemia. Identifiers: Orphanet 84, MedGen C1836860, MONDO:0012187, OMIM 609054.
Familial cancer of breast. Also called: Hereditary breast cancer; hereditary breast carcinoma; BREAST CANCER, FAMILIAL. Identifiers: Orphanet 227535, MedGen C0346153, MONDO:0016419, OMIM 114480. Disease mechanism: loss of function.
Hereditary cancer-predisposing syndrome. Also called: Hereditary Cancer Syndrome; Neoplastic Syndromes, Hereditary; Tumor predisposition; Hereditary neoplastic syndrome. Identifiers: Orphanet 140162, MedGen C0027672, MeSH D009386, MONDO:0015356.

Allele frequency attached by ClinVar (database versions not stated): gnomAD exomes below 0.00001.
gnomAD v4.1: 1 of 1,614,044 alleles (0.000062%); highest among the groups gnomAD compares: Non-Finnish European, 0.000085%; no homozygotes.

Submissions (3):

Myriad Genetics, Inc.
Classification: Benign for Familial cancer of breast. Last evaluated: 2024-09-05. Review status: criteria provided, single submitter. Criteria: Myriad Autosomal Dominant, Autosomal Recessive and X-Linked Classification Criteria (2023). Collection method: clinical testing. Allele origin: unknown.
Comment: This variant is considered benign. This variant is a silent/synonymous amino acid change and it is not expected to impact splicing.

Labcorp Genetics (formerly Invitae), Labcorp
Classification: Likely benign for Familial cancer of breast; Fanconi anemia complementation group J. Last evaluated: 2024-07-01. Review status: criteria provided, single submitter. Criteria: Invitae Variant Classification Sherloc (09022015). Collection method: clinical testing. Allele origin: germline.

Ambry Genetics
Classification: Likely benign for Hereditary cancer-predisposing syndrome. Last evaluated: 2015-06-30. Review status: criteria provided, single submitter. Criteria: Ambry Variant Classification Scheme 2023. Collection method: clinical testing. Allele origin: germline.